The following is an entry in ClinVar:

ClinVar aggregate classification (germline): Uncertain significance. Review status: criteria provided, multiple submitters, no conflicts (2 of 4 stars). 3 submissions from 3 submitters: Uncertain significance (3). Last evaluated 2024-10-24.

Conditions:
Immunodeficiency 35 (IMD35). Also called: HIES WITH ATYPICAL MYCOBACTERIOSIS, AUTOSOMAL RECESSIVE; HYPER-IgE SYNDROME WITH ATYPICAL MYCOBACTERIOSIS, AUTOSOMAL RECESSIVE; TYK2 DEFICIENCY; Susceptibility to infection due to TYK2 deficiency. Identifiers: Orphanet 331226, MedGen C1969086, MONDO:0012682, OMIM 611521.

Allele frequency attached by ClinVar (database versions not stated): TOPMed 0.00007; gnomAD 0.00009; ExAC 0.00013; ESP Exome Variant Server 0.00015.

Submissions (3):

Blueprint Genetics
Classification: Uncertain significance. Last evaluated: 2024-10-24. Review status: criteria provided, single submitter. Criteria: ACMG Guidelines, 2015. Collection method: clinical testing. Allele origin: germline.

Labcorp Genetics (formerly Invitae), Labcorp
Classification: Uncertain significance for Immunodeficiency 35. Last evaluated: 2022-10-16. Review status: criteria provided, single submitter. Criteria: Invitae Variant Classification Sherloc (09022015). Collection method: clinical testing. Allele origin: germline.
Comment: This sequence change replaces proline, which is neutral and non-polar, with leucine, which is neutral and non-polar, at codon 814 of the TYK2 protein (p.Pro814Leu). This variant is present in population databases (rs143743593, gnomAD 0.02%). This variant has not been reported in the literature in individuals affected with TYK2-related conditions. ClinVar contains an entry for this variant (Variation ID: 327940). Advanced modeling of protein sequence and biophysical properties (such as structural, functional, and spatial information, amino acid conservation, physicochemical variation, residue mobility, and thermodynamic stability) performed at Invitae indicates that this missense variant is not expected to disrupt TYK2 protein function. In summary, the available evidence is currently insufficient to determine the role of this variant in disease. Therefore, it has been classified as a Variant of Uncertain Significance.

Illumina Laboratory Services, Illumina
Classification: Uncertain significance for Immunodeficiency 35. Last evaluated: 2018-01-13. Review status: criteria provided, single submitter. Criteria: ICSL Variant Classification Criteria 13 December 2019. Collection method: clinical testing. Allele origin: germline.

NM_003331.5(TYK2):c.2441C>T (p.Pro814Leu)

Gene: TYK2 (tyrosine kinase 2; minus strand). Cytogenetic location: 19p13.2.
Variant type: single nucleotide variant.
Coding change: c.2441C>T on transcript NM_003331.5 (MANE Select); coding-DNA position 2441, C replaced by T.
Protein change: p.Pro814Leu; replaces proline 814 with leucine.
Molecular consequence: missense variant.
Genome position (GRCh38, 1-based): chr19:10,357,789, G>A on the plus strand (C>T on the coding strand, the complement: TYK2 is on the minus strand). VCF-style: chr19-10357789-G-A. GRCh37 (hg19) VCF-style: chr19-10468465-G-A.
Other names: c.2441C>T (LRG_121t1); short protein forms P814L.
Identifiers: ClinVar variation 327940 (VCV000327940.11), dbSNP rs143743593, ClinGen allele CA9193078.
Genomic context (GRCh38, chr19:10,357,789, plus strand): 5'-ACTGCGGGGAGGGCCCAAGGGTCTCCTAGACATACCTCGGAGGGACTGCGGCTCTGCAGA[G>A]GGGCCTCTCCGTCAAAGCAGATCTCCAGGAGGGTGGCGCCAAACCCCCACTTGTCCATGG-3'
Protein context (NP_003322.3, residues 804-824): LLEICFDGEA[Pro814Leu]LQSRSPSEKE